The following is an entry in ClinVar:

NM_000271.5(NPC1):c.901G>T (p.Glu301Ter)

Gene: NPC1 (NPC intracellular cholesterol transporter 1; minus strand). Cytogenetic location: 18q11.2.
Variant type: single nucleotide variant.
Coding change: c.901G>T on transcript NM_000271.5 (MANE Select); coding-DNA position 901, G replaced by T.
Protein change: p.Glu301Ter; replaces glutamic acid 301 with a stop codon.
Molecular consequence: nonsense.
Genome position (GRCh38, 1-based): chr18:23,557,171, C>A on the plus strand (G>T on the coding strand, the complement: NPC1 is on the minus strand). VCF-style: chr18-23557171-C-A. GRCh37 (hg19) VCF-style: chr18-21137135-C-A.
Other names: short protein forms E301*.
Identifiers: ClinVar variation 983760 (VCV000983760.3), dbSNP rs150154006, ClinGen allele CA401779745.

ClinVar aggregate classification (germline): Likely pathogenic (1 of 4 stars; one submission).

Conditions:
Niemann-Pick disease, type C1. Also called: NIEMANN-PICK DISEASE, VARIANT TYPE C1; NIEMANN-PICK DISEASE WITHOUT SPHINGOMYELINASE DEFICIENCY; NIEMANN-PICK DISEASE, CHRONIC NEURONOPATHIC FORM; NEUROVISCERAL STORAGE DISEASE WITH VERTICAL SUPRANUCLEAR OPHTHALMOPLEGIA; NIEMANN-PICK DISEASE WITH CHOLESTEROL ESTERIFICATION BLOCK. Identifiers: Orphanet 646, MedGen C3179455, MONDO:0009757, OMIM 257220.

Submission:

Myriad Genetics, Inc.
Classification: Likely pathogenic for Niemann-Pick disease, type C1. Last evaluated: 2019-03-30. Review status: criteria provided, single submitter. Criteria: Myriad Women's Health Autosomal Recessive and X-Linked Classification Criteria (2019). Collection method: clinical testing. Allele origin: unknown.
Comment: NM_000271.4(NPC1):c.901G>T(E301*) is expected to be pathogenic in the context of Niemann-Pick disease type C1. This variant is predicted to lead to an abnormal or absent protein product due to the creation of a premature termination codon in NPC1, a gene where loss-of-function variants are known to be pathogenic. Please note: this variant was assessed in the context of healthy population screening.